The following is an entry in ClinVar:

ClinVar aggregate classification (germline): Conflicting classifications of pathogenicity. Review status: criteria provided, conflicting classifications (1 of 4 stars). 7 submissions from 7 submitters: Uncertain significance (2); Likely benign (4). 1 of the submissions does not count toward it. Last evaluated 2026-06-25.

Conditions:
Hereditary spastic paraplegia 30. Identifiers: Orphanet 101010, MedGen C5235139, MONDO:0012476.
KIF1A-related disorder. Also called: KIF1A-related disorders; KIF1A-related condition.
Neuropathy, hereditary sensory, type 2C. Also called: Hereditary sensory and autonomic neuropathy type IIC; KIF1A-Related HSAN2 (HSAN2C). Identifiers: Orphanet 970, MedGen C3280168, MONDO:0013634, OMIM 614213.
Intellectual disability, autosomal dominant 9 (NESCAVS). Also called: NESCAV SYNDROME; KIF1A-Related Neurodevelopmental Disorder. Identifiers: Orphanet 662367, MedGen C5393830, MONDO:0013656, OMIM 614255.
Hereditary spastic paraplegia. Also called: Familial spastic paraparesis. Identifiers: Orphanet 685, MedGen C0037773, MONDO:0019064. Disease mechanism: loss of function.

Allele frequency attached by ClinVar (database versions not stated): gnomAD exomes 0.00055 and 0.00021; gnomAD 0.00150 and 0.00141; TOPMed 0.00179; 1000 Genomes Project 30x 0.00156; ExAC 0.00132; ESP Exome Variant Server 0.00188; 1000 Genomes Project 0.00140.
gnomAD v4.1: 538 of 1,548,000 alleles (0.035%); highest among the groups gnomAD compares: African/African-American, 0.44%; no homozygotes.

Submissions (7):

Women's Health and Genetics/Laboratory Corporation of America, LabCorp
Classification: Likely benign. Last evaluated: 2026-06-25. Review status: criteria provided, single submitter. Criteria: LabCorp Variant Classification Summary - May 2015. Collection method: clinical testing. Allele origin: germline.
Comment: Variant summary: KIF1A c.4309C>T (p.Arg1437Cys) results in a non-conservative amino acid change in the encoded protein sequence. Algorithms developed to predict the effect of missense changes on protein structure and function are either unavailable or do not agree on the potential impact of this missense change. The variant allele was found at a frequency of 0.00055 in 150482 control chromosomes, predominantly at a frequency of 0.0043 within the African or African-American subpopulation in the gnomAD database. The observed variant frequency within African or African-American control individuals in the gnomAD database exceeds the estimated maximal expected allele frequency for disease-causing variants in KIF1A. To our knowledge, no occurrence of c.4309C>T in individuals affected with KIF1A-related conditions and no experimental evidence demonstrating its impact on protein function have been reported. ClinVar contains an entry for this variant (Variation ID: 464253). Based on the evidence outlined above, the variant was classified as likely benign.

Labcorp Genetics (formerly Invitae), Labcorp
Classification: Likely benign for Hereditary spastic paraplegia 30; Neuropathy, hereditary sensory, type 2C; Intellectual disability, autosomal dominant 9. Last evaluated: 2026-02-03. Review status: criteria provided, single submitter. Criteria: Invitae Variant Classification Sherloc (09022015). Collection method: clinical testing. Allele origin: germline.

GeneDx
Classification: Likely benign. Last evaluated: 2020-12-22. Review status: criteria provided, single submitter. Criteria: GeneDx Variant Classification Process June 2021. Collection method: clinical testing. Allele origin: germline. Affected: yes.

ARUP Laboratories, Molecular Genetics and Genomics, ARUP Laboratories
Classification: Likely benign. Last evaluated: 2019-11-23. Review status: criteria provided, single submitter. Criteria: ARUP Molecular Germline Variant Investigation Process. Collection method: clinical testing. Allele origin: germline.

Illumina Laboratory Services, Illumina
Classification: Uncertain significance for Spastic paraplegia 30A, autosomal dominant. Last evaluated: 2018-01-13. Review status: criteria provided, single submitter. Criteria: ICSL Variant Classification Criteria 13 December 2019. Collection method: clinical testing. Allele origin: germline.

Genome Diagnostics Laboratory, The Hospital for Sick Children
Classification: Uncertain significance for Hereditary spastic paraplegia. Last evaluated: 2016-12-12. Review status: criteria provided, single submitter. Criteria: ACMG Guidelines, 2015. Collection method: clinical testing. Allele origin: germline. Affected: yes.

PreventionGenetics, part of Exact Sciences
Classification: Likely benign for KIF1A-related condition. Last evaluated: 2021-04-28. Review status: no assertion criteria provided. Collection method: clinical testing. Allele origin: germline. Not counted in ClinVar's aggregate classification.
Comment: This variant is classified as likely benign based on ACMG/AMP sequence variant interpretation guidelines (Richards et al. 2015 PMID: 25741868, with internal and published modifications).

NM_001244008.2(KIF1A):c.4612C>T (p.Arg1538Cys)

Gene: KIF1A (kinesin family member 1A; minus strand). Cytogenetic location: 2q37.3.
Variant type: single nucleotide variant.
Coding change: c.4612C>T on transcript NM_001244008.2 (MANE Select); coding-DNA position 4612, C replaced by T.
Protein change: p.Arg1538Cys; replaces arginine 1538 with cysteine.
Molecular consequence: missense variant.
Genome position (GRCh38, 1-based): chr2:240,722,509, G>A on the plus strand (C>T on the coding strand, the complement: KIF1A is on the minus strand). VCF-style: chr2-240722509-G-A. GRCh37 (hg19) VCF-style: chr2-241661926-G-A.
Other names: c.4336C>T, p.Arg1446Cys (NM_001320705.2, NM_001379649.1); c.4363C>T, p.Arg1455Cys (NM_001330289.2); c.4411C>T, p.Arg1471Cys (NM_001330290.2, NM_001379648.1); c.4687C>T, p.Arg1563Cys (NM_001379631.1); c.4588C>T, p.Arg1530Cys (NM_001379632.1); c.4585C>T, p.Arg1529Cys (NM_001379633.1, NM_001379645.1); c.4438C>T, p.Arg1480Cys (NM_001379634.1); c.4435C>T, p.Arg1479Cys (NM_001379635.1, NM_001379646.1); and 8 more; short protein forms R1437C, R1538C, R1471C, R1446C, R1455C, R1436C, R1445C, R1454C.
Identifiers: ClinVar variation 464253 (VCV000464253.66), dbSNP rs200184619, ClinGen allele CA2207376.
Genomic context (GRCh38, chr2:240,722,509, plus strand): 5'-GACCCACCTTGACGGCCAGCTCCCGCTGCCTCTCGTTGGGAGCCTCCAGGGGTGATGGGC[G>A]GCCCTCAGCCGAGAGCGGGGAGGAGGCGCTGGAGGAGCCATGGGACTCAGAGTCCTCGCT-3'
Protein context (NP_001230937.1, residues 1528-1548): SASSPLSAEG[Arg1538Cys]PSPLEAPNER